The following is an entry in ClinVar:

ClinVar aggregate classification (germline): Pathogenic. Review status: criteria provided, multiple submitters, no conflicts (2 of 4 stars). 2 submissions from 2 submitters: Pathogenic (2). Last evaluated 2025-08-29.

Conditions:
Hypophosphatasia. Also called: Phosphoethanol-aminuria. Identifiers: Orphanet 436, MedGen C0020630, MeSH D007014, MONDO:0018570.

Submissions (2):

Genomenon, Inc
Classification: Pathogenic for Hypophosphatasia. Last evaluated: 2025-08-29. Review status: criteria provided, single submitter. Criteria: Genomenon Sequence Variant Interpretation Standards. Collection method: curation. Allele origin: germline. Affected: yes.
Comment: ALPL p.Arg138ProfsTer46 (c.412dup) is a frameshift variant that results in the production of a truncated protein which is predicted to undergo nonsense-mediated mRNA decay. This variant has been observed in at least one proband affected with hypophosphatasia (PMID:33827627;29724887). It is absent or not present at a significant frequency in gnomAD. In conclusion, we classify ALPL p.Arg138ProfsTer46 (c.412dup) as a pathogenic variant.

JKU Lab, Dept of Paediatrics, Johannes Kepler University
Classification: Pathogenic for Hypophosphatasia. Last evaluated: 2024-02-13. Review status: criteria provided, single submitter. Criteria: ACMG Guidelines, 2015. Collection method: clinical testing. Allele origin: germline. Affected: yes. Observed: 1 heterozygote.
Comment: Absent in GnomAD.

Literature cited by the submitters: PubMed 33827627 (cited by Genomenon, Inc); PubMed 29724887 (cited by Genomenon, Inc and JKU Lab, Dept of Paediatrics, Johannes Kepler University).

NM_000478.6(ALPL):c.412dup (p.Arg138fs)

Gene: ALPL (alkaline phosphatase, biomineralization associated; plus strand). Cytogenetic location: 1p36.12.
Variant type: Duplication.
Coding change: c.412dup on transcript NM_000478.6 (MANE Select); coding-DNA position 412, one base duplicated (C; older notation c.412dupC).
Protein change: p.Arg138fs; shifts the reading frame from arginine 138.
Molecular consequence: frameshift variant.
Genome position (GRCh38, 1-based): chr1:21,563,224, C duplicated; the last of 3 consecutive C bases (chr1:21,563,222-21,563,224); duplicating any one gives the same sequence. VCF-style (leftmost placement, unchanged base first): chr1-21563221-T-TC. GRCh37 (hg19) VCF-style: chr1-21889714-T-TC.
Other names: c.247dup, p.Arg83fs (NM_001127501.4); c.181dup, p.Arg61fs (NM_001177520.3); c.412dup, p.Arg138fs (NM_001369803.2, NM_001369804.2, NM_001369805.2); short protein forms R138fs, R61fs, R83fs.
Identifiers: ClinVar variation 3024104 (VCV003024104.2), dbSNP rs1312528958, ClinGen allele CA2586964023.